The following is an entry in ClinVar:

ClinVar aggregate classification (germline): Likely pathogenic (1 of 4 stars; one submission).

Conditions:
Thrombophilia due to protein C deficiency, autosomal dominant. Also called: PROC DEFICIENCY, AUTOSOMAL DOMINANT; PROTEIN C DEFICIENCY, AUTOSOMAL DOMINANT. Identifiers: Orphanet 745, MedGen C2674321, MONDO:0008316, OMIM 176860. Disease mechanism: loss of function.

Submission:

Labcorp Genetics (formerly Invitae), Labcorp
Classification: Likely pathogenic for Thrombophilia due to protein C deficiency, autosomal dominant. Last evaluated: 2022-04-11. Review status: criteria provided, single submitter. Criteria: Invitae Variant Classification Sherloc (09022015). Collection method: clinical testing. Allele origin: germline.
Comment: In summary, the currently available evidence indicates that the variant is pathogenic, but additional data are needed to prove that conclusively. Therefore, this variant has been classified as Likely Pathogenic. This variant disrupts the p.Arg264 amino acid residue in PROC. Other variant(s) that disrupt this residue have been observed in individuals with PROC-related conditions (PMID: 31254973), which suggests that this may be a clinically significant amino acid residue. Algorithms developed to predict the effect of missense changes on protein structure and function (SIFT, PolyPhen-2, Align-GVGD) all suggest that this variant is likely to be disruptive. This missense change has been observed in individuals with protein C deficiency (PMID: 24162787; Invitae). This variant is not present in population databases (gnomAD no frequency). This sequence change replaces arginine, which is basic and polar, with glycine, which is neutral and non-polar, at codon 264 of the PROC protein (p.Arg264Gly).

Literature cited by the submitters: PubMed 31254973; PubMed 24162787.

NM_000312.4(PROC):c.790A>G (p.Arg264Gly)

Gene: PROC (protein C, inactivator of coagulation factors Va and VIIIa; plus strand). Cytogenetic location: 2q14.3.
Variant type: single nucleotide variant.
Coding change: c.790A>G on transcript NM_000312.4 (MANE Select); coding-DNA position 790, A replaced by G.
Protein change: p.Arg264Gly; replaces arginine 264 with glycine.
Molecular consequence: missense variant.
Genome position (GRCh38, 1-based): chr2:127,427,216, A>G. VCF-style: chr2-127427216-A-G. GRCh37 (hg19) VCF-style: chr2-128184792-A-G.
Other names: c.973A>G, p.Arg325Gly (NM_001375602.1); c.955A>G, p.Arg319Gly (NM_001375603.1); c.853A>G, p.Arg285Gly (NM_001375604.1); c.892A>G, p.Arg298Gly (NM_001375605.1); c.958A>G, p.Arg320Gly (NM_001375606.1); c.976A>G, p.Arg326Gly (NM_001375607.1); c.733A>G, p.Arg245Gly (NM_001375608.1); c.766A>G, p.Arg256Gly (NM_001375609.1); and 2 more; short protein forms R245G, R298G, R325G, R326G, R262G, R285G, R319G, R256G.
Identifiers: ClinVar variation 2203145 (VCV002203145.4), dbSNP rs2468367271, ClinGen allele CA348402636.